The following is an entry in ClinVar:

NC_000017.11:g.(?_31094927)_(31095369_?)del

Genes: MIR4733HG (MIR4733 host gene; minus strand), NF1 (neurofibromin 1; plus strand), LOC111811965 (NF1 (neurofibromin 1) promoter region; plus strand). Cytogenetic location: 17q11.2.
Variant type: Deletion.
Identifiers: ClinVar variation 417332 (VCV000417332.1).

ClinVar aggregate classification (germline): Pathogenic (1 of 4 stars; one submission).

Conditions:
Neurofibromatosis, type 1 (NF1). Also called: NEUROFIBROMATOSIS, TYPE I, SOMATIC; Peripheral type neurofibromatosis; Neurofibromatosis, type I; VON RECKLINGHAUSEN DISEASE. Identifiers: Orphanet 636, MedGen C0027831, MONDO:0018975, OMIM 162200. Disease mechanism: loss of function.

Submission:

Labcorp Genetics (formerly Invitae), Labcorp
Classification: Pathogenic for Neurofibromatosis, type 1. Last evaluated: 2017-01-03. Review status: criteria provided, single submitter. Criteria: Invitae Variant Classification Sherloc (09022015). Collection method: clinical testing. Allele origin: germline.
Comment: This variant is a gross deletion of the genomic region encompassing exon 1 of the NF1 gene, which includes the initiator codon. The 5' end of this event is unknown as it extends beyond the assayed region for this gene and therefore may encompass additional genes. The 3' boundary is likely confined to intron 1 of the NF1 gene. This is expected to result in an absent or disrupted protein product. Loss-of-function variants in NF1 are known to be pathogenic. This particular deletion of exon 1 has been reported in individuals affected with neurofibromatosis type 1 (NF1) (PMID: 16283621). For these reasons, this variant has been classified as Pathogenic.